The following is an entry in ClinVar:

ClinVar aggregate classification (germline): Conflicting classifications of pathogenicity. Review status: criteria provided, conflicting classifications (1 of 4 stars). 2 submissions from 2 submitters: Uncertain significance (1); Likely benign (1). Last evaluated 2025-07-25.

Conditions:
Hereditary nonpolyposis colorectal neoplasms. Identifiers: MedGen C0009405, MeSH D003123.
Hereditary cancer-predisposing syndrome. Also called: Hereditary neoplastic syndrome; Neoplastic Syndromes, Hereditary; Tumor predisposition; Hereditary Cancer Syndrome. Identifiers: Orphanet 140162, MedGen C0027672, MeSH D009386, MONDO:0015356.

Allele frequency attached by ClinVar (database versions not stated): ExAC 0.00001; gnomAD exomes 0.00001.
gnomAD v4.1: 3 of 1,614,174 alleles (0.00019%); highest among the groups gnomAD compares: South Asian, 0.0022%; no homozygotes.

Submissions (2):

Ambry Genetics
Classification: Uncertain significance for Hereditary cancer-predisposing syndrome. Last evaluated: 2025-07-25. Review status: criteria provided, single submitter. Criteria: Ambry Variant Classification Scheme 2023. Collection method: clinical testing. Allele origin: germline.
Comment: The p.S722Y variant (also known as c.2165C>A), located in coding exon 4 of the MSH6 gene, results from a C to A substitution at nucleotide position 2165. The serine at codon 722 is replaced by tyrosine, an amino acid with dissimilar properties. This amino acid position is conserved. In addition, the in silico prediction for this alteration is inconclusive. Based on the available evidence, the clinical significance of this variant remains unclear.

Labcorp Genetics (formerly Invitae), Labcorp
Classification: Likely benign for Hereditary nonpolyposis colorectal neoplasms. Last evaluated: 2023-08-30. Review status: criteria provided, single submitter. Criteria: Invitae Variant Classification Sherloc (09022015). Collection method: clinical testing. Allele origin: germline.

NM_000179.3(MSH6):c.2165C>A (p.Ser722Tyr)

Gene: MSH6 (mutS homolog 6; plus strand). Cytogenetic location: 2p16.3.
Variant type: single nucleotide variant.
Coding change: c.2165C>A on transcript NM_000179.3 (MANE Select); coding-DNA position 2165, C replaced by A.
Protein change: p.Ser722Tyr; replaces serine 722 with tyrosine.
Molecular consequence: missense variant.
Genome position (GRCh38, 1-based): chr2:47,800,148, C>A. VCF-style: chr2-47800148-C-A. GRCh37 (hg19) VCF-style: chr2-48027287-C-A.
Other names: c.1775C>A, p.Ser592Tyr (NM_001281492.2); c.1259C>A, p.Ser420Tyr (NM_001281493.2, NM_001281494.2); short protein forms S420Y, S722Y, S592Y.
Identifiers: ClinVar variation 941182 (VCV000941182.11), dbSNP rs776198410, ClinGen allele CA068523.